The following is an entry in ClinVar:

ClinVar aggregate classification (germline): Conflicting classifications of pathogenicity. Review status: criteria provided, conflicting classifications (1 of 4 stars). 2 submissions from 2 submitters: Uncertain significance (1); Likely benign (1). Last evaluated 2024-03-16.

Conditions:
KBG syndrome (KBGS). Also called: ANKRD11-Related KBG Syndrome. Identifiers: Orphanet 2332, MedGen C0220687, MONDO:0007846, OMIM 148050.

Submissions (2):

Labcorp Genetics (formerly Invitae), Labcorp
Classification: Uncertain significance for KBG syndrome. Last evaluated: 2024-03-16. Review status: criteria provided, single submitter. Criteria: Invitae Variant Classification Sherloc (09022015). Collection method: clinical testing. Allele origin: germline.
Comment: This sequence change replaces proline, which is neutral and non-polar, with alanine, which is neutral and non-polar, at codon 2276 of the ANKRD11 protein (p.Pro2276Ala). This variant is present in population databases (rs201957371, gnomAD 0.004%). This variant has not been reported in the literature in individuals affected with ANKRD11-related conditions. Advanced modeling of protein sequence and biophysical properties (such as structural, functional, and spatial information, amino acid conservation, physicochemical variation, residue mobility, and thermodynamic stability) performed at Invitae indicates that this missense variant is not expected to disrupt ANKRD11 protein function with a negative predictive value of 95%. In summary, the available evidence is currently insufficient to determine the role of this variant in disease. Therefore, it has been classified as a Variant of Uncertain Significance.

Blueprint Genetics
Classification: Likely benign. Last evaluated: 2023-12-29. Review status: criteria provided, single submitter. Criteria: ACMG Guidelines, 2015. Collection method: clinical testing. Allele origin: germline.

NM_013275.6(ANKRD11):c.6826C>G (p.Pro2276Ala)

Gene: ANKRD11 (ankyrin repeat domain 11; minus strand). Cytogenetic location: 16q24.3.
Variant type: single nucleotide variant.
Coding change: c.6826C>G on transcript NM_013275.6 (MANE Select); coding-DNA position 6826, C replaced by G.
Protein change: p.Pro2276Ala; replaces proline 2276 with alanine.
Molecular consequence: missense variant.
Genome position (GRCh38, 1-based): chr16:89,279,716, G>C on the plus strand (C>G on the coding strand, the complement: ANKRD11 is on the minus strand). VCF-style: chr16-89279716-G-C. GRCh37 (hg19) VCF-style: chr16-89346124-G-C.
Other names: c.6826C>G, p.Pro2276Ala (NM_001256182.2, NM_001256183.2); short protein forms P2276A.
Identifiers: ClinVar variation 3712072 (VCV003712072.3).